The following is an entry in ClinVar:

NM_001429.4(EP300):c.5697_5700dup (p.Ala1901Ter)

Gene: EP300 (EP300 lysine acetyltransferase; plus strand). Cytogenetic location: 22q13.2.
Variant type: Duplication.
Coding change: c.5697_5700dup on transcript NM_001429.4 (MANE Select); coding-DNA positions 5697 to 5700, 4 bases duplicated (TAAG; older notation c.5697_5700dupTAAG).
Protein change: p.Ala1901Ter; replaces alanine 1901 with a stop codon.
Molecular consequence: nonsense.
Genome position (GRCh38, 1-based): chr22:41,177,408-41,177,411, TAAG duplicated; duplicating any 4 consecutive bases within chr22:41,177,407-41,177,411 gives the same sequence; the c. name uses the placement nearest the transcript's 3' end. VCF-style (leftmost placement, unchanged base first): chr22-41177406-G-GGTAA. GRCh37 (hg19) VCF-style: chr22-41573410-G-GGTAA.
Other names: c.5619_5622dup, p.Ala1875Ter (NM_001362843.2); short protein forms A1875*, A1901*.
Identifiers: ClinVar variation 4618569 (VCV004618569.1).
Genomic context (GRCh38, chr22:41,177,406, plus strand): 5'-CCTCCCAATAGCATGCCACCCTACTTGCCCAGGACTCAAGCTGCTGGCCCTGTGTCCCAG[G>GGTAA]GTAAGGCAGCAGGCCAGGTGACCCCTCCAACCCCTCCTCAGACTGCTCAGCCACCCCTTC-3'

ClinVar aggregate classification (germline): Pathogenic (1 of 4 stars; one submission).

Conditions:
Inborn genetic diseases. Identifiers: MedGen C0950123, MeSH D030342.

Submission:

Ambry Genetics
Classification: Pathogenic for Inborn genetic diseases. Last evaluated: 2025-11-13. Review status: criteria provided, single submitter. Criteria: Ambry Variant Classification Scheme 2023. Collection method: clinical testing. Allele origin: germline.
Comment: The c.5697_5700dupTAAG (p.A1901*) alteration, located in exon 31 (coding exon 31) of the EP300 gene, consists of a duplication of TAAG at position 5697. This changes the amino acid from an alanine to a stop codon at amino acid position 1901. This variant is not expected to trigger nonsense-mediated mRNA decay and impacts the last 21% of the protein. However, premature stop codons are typically deleterious in nature, the impacted region is critical for protein function, and a significant portion of the protein is affected (Ambry internal data). for EP300-related Rubinstein-Taybi syndrome; however, its clinical significance for EP300-related Menke-Hennekam syndrome is uncertain. This variant was not reported in population-based cohorts in the Genome Aggregation Database (gnomAD). Based on the available evidence, this alteration is classified as pathogenic.